The following is an entry in ClinVar:

ClinVar aggregate classification (germline): Uncertain significance. Review status: criteria provided, multiple submitters, no conflicts (2 of 4 stars). 2 submissions from 2 submitters: Uncertain significance (2). Last evaluated 2025-06-30.

Conditions:
Hereditary cancer-predisposing syndrome. Also called: Tumor predisposition; Neoplastic Syndromes, Hereditary; Hereditary neoplastic syndrome; Hereditary Cancer Syndrome. Identifiers: Orphanet 140162, MedGen C0027672, MeSH D009386, MONDO:0015356.

gnomAD v4.1: 1 of 1,589,868 alleles (0.000063%); no homozygotes.

Submissions (2):

Ambry Genetics
Classification: Uncertain significance for Hereditary cancer-predisposing syndrome. Last evaluated: 2025-06-30. Review status: criteria provided, single submitter. Criteria: Ambry Variant Classification Scheme 2023. Collection method: clinical testing. Allele origin: germline.
Comment: The p.V85I variant (also known as c.253G>A), located in coding exon 3 of the TSC2 gene, results from a G to A substitution at nucleotide position 253. The valine at codon 85 is replaced by isoleucine, an amino acid with highly similar properties. This amino acid position is conserved. In addition, the in silico prediction for this alteration is inconclusive. Based on the available evidence, the clinical significance of this variant remains unclear.

GeneDx
Classification: Uncertain significance. Last evaluated: 2024-02-28. Review status: criteria provided, single submitter. Criteria: GeneDx Variant Classification Process June 2021. Collection method: clinical testing. Allele origin: germline. Affected: yes.
Comment: Not observed at significant frequency in large population cohorts (gnomAD); In silico analysis supports that this missense variant does not alter protein structure/function; Has not been previously published as pathogenic or benign to our knowledge; This variant is associated with the following publications: (PMID: 18466115)

NM_000548.5(TSC2):c.253G>A (p.Val85Ile)

Gene: TSC2 (TSC complex subunit 2; plus strand). Cytogenetic location: 16p13.3.
Variant type: single nucleotide variant.
Coding change: c.253G>A on transcript NM_000548.5 (MANE Select); coding-DNA position 253, G replaced by A.
Protein change: p.Val85Ile; replaces valine 85 with isoleucine.
Molecular consequence: missense variant. On other transcripts: 5 prime UTR variant (14), non-coding transcript variant (5), intron variant (9).
Genome position (GRCh38, 1-based): chr16:2,053,369, G>A. VCF-style: chr16-2053369-G-A. GRCh37 (hg19) VCF-style: chr16-2103370-G-A.
Other names: c.253G>A, p.Val85Ile (NM_001077183.3, NM_001114382.3, NM_001363528.2 and 10 more transcripts); c.106G>A, p.Val36Ile (NM_001318829.2, NM_001406675.1, NM_001406676.1 and 2 more transcripts); c.286G>A, p.Val96Ile (NM_001318832.2); c.-564G>A (NM_001406680.1, NM_001406683.1, NM_001406687.1); c.-193G>A (NM_001406681.1); c.-1179G>A (NM_001406689.1, NM_001406690.1, NM_001406691.1 and 2 more transcripts); c.-1485G>A (NM_001406693.1); c.-1060G>A (NM_001406694.1, NM_001406695.1); and 4 more; short protein forms V36I, V85I, V96I.
Identifiers: ClinVar variation 3369761 (VCV003369761.2).